The following is an entry in ClinVar:

ClinVar aggregate classification (germline): Uncertain significance (1 of 4 stars; one submission).

Conditions:
Congenital muscular dystrophy due to integrin alpha-7 deficiency. Also called: Congenital muscular dystrophy with integrin alpha-7 deficiency; Muscular dystrophy, congenital, due to ITGA7 deficiency; MYOPATHY, CONGENITAL, DUE TO INTEGRIN ALPHA-7 DEFICIENCY. Identifiers: Orphanet 34520, MedGen C2750786, MONDO:0013177, OMIM 613204.

Allele frequency attached by ClinVar (database versions not stated): ExAC 0.00001; gnomAD exomes 0.00001.
gnomAD v4.1: 7 of 1,614,184 alleles (0.00043%); highest among the groups gnomAD compares: Admixed American, 0.012%; no homozygotes.

Submission:

Labcorp Genetics (formerly Invitae), Labcorp
Classification: Uncertain significance for Congenital muscular dystrophy due to integrin alpha-7 deficiency. Last evaluated: 2022-05-25. Review status: criteria provided, single submitter. Criteria: Invitae Variant Classification Sherloc (09022015). Collection method: clinical testing. Allele origin: germline.
Comment: Algorithms developed to predict the effect of missense changes on protein structure and function are either unavailable or do not agree on the potential impact of this missense change (SIFT: "Tolerated"; PolyPhen-2: "Probably Damaging"; Align-GVGD: "Class C0"). This variant has not been reported in the literature in individuals affected with ITGA7-related conditions. This variant is present in population databases (rs747061828, gnomAD 0.02%). This sequence change replaces valine, which is neutral and non-polar, with methionine, which is neutral and non-polar, at codon 434 of the ITGA7 protein (p.Val434Met). In summary, the available evidence is currently insufficient to determine the role of this variant in disease. Therefore, it has been classified as a Variant of Uncertain Significance.

NM_002206.3(ITGA7):c.1300G>A (p.Val434Met)

Gene: ITGA7 (integrin subunit alpha 7; minus strand). Cytogenetic location: 12q13.2.
Variant type: single nucleotide variant.
Coding change: c.1300G>A on transcript NM_002206.3 (MANE Select); coding-DNA position 1300, G replaced by A.
Protein change: p.Val434Met; replaces valine 434 with methionine.
Molecular consequence: missense variant. On other transcripts: intron variant (1).
Genome position (GRCh38, 1-based): chr12:55,697,804, C>T on the plus strand (G>A on the coding strand, the complement: ITGA7 is on the minus strand). VCF-style: chr12-55697804-C-T. GRCh37 (hg19) VCF-style: chr12-56091588-C-T.
Other names: c.1312G>A, p.Val438Met (NM_001144996.2, NM_001414029.1); c.1021G>A, p.Val341Met (NM_001144997.2); c.973G>A, p.Val325Met (NM_001367993.1); c.1300G>A, p.Val434Met (NM_001374465.1, NM_001414034.1); c.1432G>A, p.Val478Met (NM_001410977.1); c.1225G>A, p.Val409Met (NM_001414030.1); c.1213G>A, p.Val405Met (NM_001414031.1); c.1180G>A, p.Val394Met (NM_001414032.1); and 3 more; short protein forms V321M, V394M, V405M, V341M, V373M, V434M, V409M, V438M.
Identifiers: ClinVar variation 1982567 (VCV001982567.4), dbSNP rs747061828, ClinGen allele CA6615993.